The following is an entry in ClinVar:

ClinVar aggregate classification (germline): Uncertain significance (1 of 4 stars; one submission).

Allele frequency attached by ClinVar (database versions not stated): gnomAD exomes 0.00001 and 0.00002; ExAC 0.00002; TOPMed 0.00002; gnomAD 0.00004.
gnomAD v4.1: 31 of 1,613,342 alleles (0.0019%); highest among the groups gnomAD compares: Admixed American, 0.0083%; no homozygotes.

Submission:

Labcorp Genetics (formerly Invitae), Labcorp
Classification: Uncertain significance. Last evaluated: 2021-04-03. Review status: criteria provided, single submitter. Criteria: Invitae Variant Classification Sherloc (09022015). Collection method: clinical testing. Allele origin: germline.
Comment: In summary, the available evidence is currently insufficient to determine the role of this variant in disease. Therefore, it has been classified as a Variant of Uncertain Significance. Algorithms developed to predict the effect of sequence changes on RNA splicing suggest that this variant may create or strengthen a splice site, but this prediction has not been confirmed by published transcriptional studies. This variant has not been reported in the literature in individuals with TEK-related conditions. This variant is present in population databases (rs774713473, ExAC 0.009%). This sequence change affects codon 401 of the TEK mRNA. It is a 'silent' change, meaning that it does not change the encoded amino acid sequence of the TEK protein.

NM_000459.5(TEK):c.1203G>A (p.Thr401=)

Gene: TEK (TEK receptor tyrosine kinase; plus strand). Cytogenetic location: 9p21.2.
Variant type: single nucleotide variant.
Coding change: c.1203G>A on transcript NM_000459.5 (MANE Select); coding-DNA position 1203, G replaced by A.
Protein change: p.Thr401=; no amino-acid change (threonine 401 retained).
Molecular consequence: synonymous variant.
Genome position (GRCh38, 1-based): chr9:27,185,505, G>A. VCF-style: chr9-27185505-G-A. GRCh37 (hg19) VCF-style: chr9-27185503-G-A.
Other names: c.1074G>A, p.Thr358= (NM_001290077.2, NM_001375476.1); c.762G>A, p.Thr254= (NM_001290078.2); c.1203G>A, p.Thr401= (NM_001375475.1).
Identifiers: ClinVar variation 1396238 (VCV001396238.8), dbSNP rs774713473, ClinGen allele CA5016166.